The following is an entry in ClinVar:

NM_006206.6(PDGFRA):c.1787-5C>G

Gene: PDGFRA (platelet derived growth factor receptor alpha; plus strand). Cytogenetic location: 4q12.
Variant type: single nucleotide variant.
Coding change: c.1787-5C>G on transcript NM_006206.6 (MANE Select); 5 bases into the intron before coding-DNA position 1787, C replaced by G.
Molecular consequence: intron variant.
Genome position (GRCh38, 1-based): chr4:54,277,383, C>G. VCF-style: chr4-54277383-C-G. GRCh37 (hg19) VCF-style: chr4-55143550-C-G.
Other names: c.1862-5C>G (NM_001347828.2); c.1787-5C>G (NM_001347827.2, NM_001347829.2); c.1826-5C>G (NM_001347830.2).
Identifiers: ClinVar variation 646117 (VCV000646117.10), dbSNP rs1205259367, ClinGen allele CA915943056.
Genomic context (GRCh38, chr4:54,277,383, plus strand): 5'-TACGGTGCAGAAAGCTGAGGAGGCGTCTGGAGTTTTTGGGTGTTAATGATTCTGCCTGCC[C>G]ACAGGTCGGGTCTTGGGGTCTGGAGCGTTTGGGAAGGTGGTTGAAGGAACAGCCTATGGA-3'

ClinVar aggregate classification (germline): Uncertain significance. Review status: criteria provided, multiple submitters, no conflicts (2 of 4 stars). 2 submissions from 2 submitters: Uncertain significance (2). Last evaluated 2026-04-21.

Conditions:
Hereditary cancer-predisposing syndrome. Also called: Hereditary Cancer Syndrome; Tumor predisposition; Neoplastic Syndromes, Hereditary; Hereditary neoplastic syndrome. Identifiers: Orphanet 140162, MedGen C0027672, MeSH D009386, MONDO:0015356.
Gastrointestinal stromal tumor. Also called: Gastrointestinal stromal tumor, somatic; Gastrointestinal stroma tumor. Identifiers: Orphanet 44890, MedGen C0238198, MeSH D046152, MONDO:0011719, OMIM 606764, HP:0100723.

gnomAD v4.1: 1 of 1,610,314 alleles (0.000062%); highest among the groups gnomAD compares: Non-Finnish European, 0.000085%; no homozygotes.

Submissions (2):

Ambry Genetics
Classification: Uncertain significance for Hereditary cancer-predisposing syndrome. Last evaluated: 2026-04-21. Review status: criteria provided, single submitter. Criteria: Ambry Variant Classification Scheme 2023. Collection method: clinical testing. Allele origin: germline.
Comment: The c.1787-5C>G intronic variant results from a C to G substitution 5 nucleotides upstream from coding exon 12 in the PDGFRA gene. This nucleotide position is not well conserved in available vertebrate species. In silico splice site analysis predicts that this alteration will not have any significant effect on splicing. Based on the available evidence, the clinical significance of this variant remains unclear.

Labcorp Genetics (formerly Invitae), Labcorp
Classification: Uncertain significance for Gastrointestinal stromal tumor. Last evaluated: 2026-01-26. Review status: criteria provided, single submitter. Criteria: Invitae Variant Classification Sherloc (09022015). Collection method: clinical testing. Allele origin: germline.
Comment: This sequence change falls in intron 12 of the PDGFRA gene. It does not directly change the encoded amino acid sequence of the PDGFRA protein. This variant is not present in population databases (gnomAD no frequency). This variant has not been reported in the literature in individuals affected with PDGFRA-related conditions. ClinVar contains an entry for this variant (Variation ID: 646117). Algorithms developed to predict the effect of sequence changes on RNA splicing suggest that this variant may create or strengthen a splice site. In summary, the available evidence is currently insufficient to determine the role of this variant in disease. Therefore, it has been classified as a Variant of Uncertain Significance.